The following is an entry in ClinVar:

ClinVar aggregate classification (germline): Uncertain significance (1 of 4 stars; one submission).

Allele frequency attached by ClinVar (database versions not stated): TOPMed 0.00007; ESP Exome Variant Server 0.00008.

Submission:

Labcorp Genetics (formerly Invitae), Labcorp
Classification: Uncertain significance. Last evaluated: 2022-03-09. Review status: criteria provided, single submitter. Criteria: Invitae Variant Classification Sherloc (09022015). Collection method: clinical testing. Allele origin: germline.
Comment: This sequence change replaces arginine, which is basic and polar, with glycine, which is neutral and non-polar, at codon 577 of the RBP3 protein (p.Arg577Gly). This variant is present in population databases (rs149750989, gnomAD 0.03%). This variant has not been reported in the literature in individuals affected with RBP3-related conditions. Algorithms developed to predict the effect of missense changes on protein structure and function are either unavailable or do not agree on the potential impact of this missense change (SIFT: "Tolerated"; PolyPhen-2: "Possibly Damaging"; Align-GVGD: "Class C0"). In summary, the available evidence is currently insufficient to determine the role of this variant in disease. Therefore, it has been classified as a Variant of Uncertain Significance.

NM_002900.3(RBP3):c.1729C>G (p.Arg577Gly)

Gene: RBP3 (retinol binding protein 3; plus strand). Cytogenetic location: 10q11.22.
Variant type: single nucleotide variant.
Coding change: c.1729C>G on transcript NM_002900.3 (MANE Select); coding-DNA position 1729, C replaced by G.
Protein change: p.Arg577Gly; replaces arginine 577 with glycine.
Molecular consequence: missense variant.
Genome position (GRCh38, 1-based): chr10:47,350,213, C>G. VCF-style: chr10-47350213-C-G. GRCh37 (hg19) VCF-style: chr10-48389149-G-C.
Other names: short protein forms R577G.
Identifiers: ClinVar variation 1915629 (VCV001915629.2), dbSNP rs149750989, ClinGen allele CA5487454.